The following is an entry in ClinVar:

ClinVar aggregate classification (germline): Benign (1 of 4 stars; one submission).

Allele frequency attached by ClinVar (database versions not stated): 1000 Genomes Project 0.00200; gnomAD 0.00182; 1000 Genomes Project 30x 0.00234.
gnomAD v4.1: 272 of 152,328 alleles (0.18%); highest among the groups gnomAD compares: African/African-American, 0.62%; 1 homozygote.

Submission:

CeGaT Center for Human Genetics Tuebingen
Classification: Benign. Last evaluated: 2022-08-01. Review status: criteria provided, single submitter. Criteria: CeGaT Center For Human Genetics Tuebingen Variant Classification Criteria Version 2. Collection method: clinical testing. Allele origin: germline. Affected: yes. Observed: 1 variant allele.
Comment: NFKB2: BS1, BS2

NM_001077494.3(NFKB2):c.-72-473G>A

Gene: NFKB2 (nuclear factor kappa B subunit 2; plus strand). Cytogenetic location: 10q24.32.
Variant type: single nucleotide variant.
Coding change: c.-72-473G>A on transcript NM_001077494.3; 473 bases into the intron before 72 bases upstream of the start codon, G replaced by A.
Molecular consequence: intron variant.
Genome position (GRCh38, 1-based): chr10:102,395,415, G>A. VCF-style: chr10-102395415-G-A. GRCh37 (hg19) VCF-style: chr10-104155172-G-A.
Other names: c.-72-473G>A (NM_001288724.1, NM_001322935.1).
Identifiers: ClinVar variation 2640789 (VCV002640789.22), dbSNP rs549808091, ClinGen allele CA212211271.